The following is an entry in ClinVar:

ClinVar aggregate classification (germline): Likely benign (1 of 4 stars; one submission).

Submission:

CeGaT Center for Human Genetics Tuebingen
Classification: Likely benign. Last evaluated: 2025-10-01. Review status: criteria provided, single submitter. Criteria: CeGaT Center For Human Genetics Tuebingen Variant Classification Criteria Version 2. Collection method: clinical testing. Allele origin: germline. Affected: yes. Observed: 1 variant allele.
Comment: GEMIN4: BP4, BP7

NM_015721.3(GEMIN4):c.699G>A (p.Pro233=)

Gene: GEMIN4 (gem nuclear organelle associated protein 4; minus strand). Cytogenetic location: 17p13.3.
Variant type: single nucleotide variant.
Coding change: c.699G>A on transcript NM_015721.3 (MANE Select); coding-DNA position 699, G replaced by A.
Protein change: p.Pro233=; no amino-acid change (proline 233 retained).
Molecular consequence: synonymous variant.
Genome position (GRCh38, 1-based): chr17:747,344, C>T on the plus strand (G>A on the coding strand, the complement: GEMIN4 is on the minus strand). VCF-style: chr17-747344-C-T. GRCh37 (hg19) VCF-style: chr17-650584-C-T.
Identifiers: ClinVar variation 4533993 (VCV004533993.6).